The following is an entry in ClinVar:

ClinVar aggregate classification (germline): Uncertain significance (1 of 4 stars; one submission).

Conditions:
Pheochromocytoma/paraganglioma syndrome 3. Also called: GLOMUS TUMORS, FAMILIAL, 3; Paragangliomas 3; SDHC-Related Hereditary Paraganglioma-Pheochromocytoma Syndrome (Paragangliomas 3); SDHC-Related Hereditary Paraganglioma-Pheochromocytoma Syndrome. Identifiers: Orphanet 29072, MedGen C1854336, MONDO:0011544, OMIM 605373.
Gastrointestinal stromal tumor. Also called: Gastrointestinal stromal tumor, somatic; Gastrointestinal stroma tumor. Identifiers: Orphanet 44890, MedGen C0238198, MeSH D046152, MONDO:0011719, OMIM 606764, HP:0100723.

Submission:

Labcorp Genetics (formerly Invitae), Labcorp
Classification: Uncertain significance for Pheochromocytoma/paraganglioma syndrome 3; Gastrointestinal stromal tumor. Last evaluated: 2019-11-18. Review status: criteria provided, single submitter. Criteria: Invitae Variant Classification Sherloc (09022015). Collection method: clinical testing. Allele origin: germline.
Comment: In summary, the available evidence is currently insufficient to determine the role of this variant in disease. Therefore, it has been classified as a Variant of Uncertain Significance. Algorithms developed to predict the effect of sequence changes on RNA splicing suggest that this variant may disrupt the consensus splice site, but this prediction has not been confirmed by published transcriptional studies. This variant has not been reported in the literature in individuals with SDHC-related conditions. This variant is not present in population databases (ExAC no frequency). This sequence change affects codon 7 of the SDHC mRNA. It is a 'silent' change, meaning that it does not change the encoded amino acid sequence of the SDHC protein.

NM_003001.5(SDHC):c.19A>C (p.Arg7=)

Gene: SDHC (succinate dehydrogenase complex subunit C; plus strand). Cytogenetic location: 1q23.3.
Variant type: single nucleotide variant.
Coding change: c.19A>C on transcript NM_003001.5 (MANE Select); coding-DNA position 19, A replaced by C.
Protein change: p.Arg7=; no amino-acid change (arginine 7 retained).
Molecular consequence: synonymous variant. On other transcripts: missense variant (4), 5 prime UTR variant (2), non-coding transcript variant (1).
Genome position (GRCh38, 1-based): chr1:161,314,424, A>C. VCF-style: chr1-161314424-A-C. GRCh37 (hg19) VCF-style: chr1-161284214-A-C.
Other names: c.19A>C, p.Arg7= (NM_001035511.3, NM_001035512.3, NM_001278172.3 and 2 more transcripts); c.19A>C, p.Ser7Arg (NM_001035513.3, NM_001407116.1, NM_001407117.1 and 1 more transcripts); c.-542A>C (NM_001407119.1); c.-211A>C (NM_001407120.1); short protein forms S7R.
Identifiers: ClinVar variation 856348 (VCV000856348.11), dbSNP rs1670521233, ClinGen allele CA343355015.